The following is an entry in ClinVar:

ClinVar aggregate classification (germline): Uncertain significance (1 of 4 stars; one submission).

Conditions:
Hereditary cancer-predisposing syndrome. Also called: Neoplastic Syndromes, Hereditary; Tumor predisposition; Hereditary Cancer Syndrome; Hereditary neoplastic syndrome. Identifiers: Orphanet 140162, MedGen C0027672, MeSH D009386, MONDO:0015356.

Submission:

Ambry Genetics
Classification: Uncertain significance for Hereditary cancer-predisposing syndrome. Last evaluated: 2018-07-11. Review status: criteria provided, single submitter. Criteria: Ambry Variant Classification Scheme 2023. Collection method: clinical testing. Allele origin: germline.
Comment: The c.3330_3344del15 variant (also known as p.N1111_I1115del) is located in coding exon 5 of the MSH6 gene. This variant results from an in-frame TAATGACATTCTAAT deletion at nucleotide positions 3330 to 3344. This results in the deletion of five amino acids between codons 1111 and 1115. These amino acid positions are well conserved in available vertebrate species. Since supporting evidence is limited at this time, the clinical significance of this alteration remains unclear.

NM_000179.3(MSH6):c.3330_3344del (p.Asn1111_Ile1115del)

Gene: MSH6 (mutS homolog 6; plus strand). Cytogenetic location: 2p16.3.
Variant type: Deletion.
Coding change: c.3330_3344del on transcript NM_000179.3 (MANE Select); coding-DNA positions 3330 to 3344, 15 bases deleted (TAATGACATTCTAAT).
Protein change: p.Asn1111_Ile1115del.
Molecular consequence: inframe deletion. On other transcripts: inframe indel (38).
Genome position (GRCh38, 1-based): chr2:47,803,577-47,803,591, TAATGACATTCTAAT deleted. VCF-style (leftmost placement, unchanged base first): chr2-47803576-CTAATGACATTCTAAT-C. GRCh37 (hg19) VCF-style: chr2-48030715-CTAATGACATTCTAAT-C.
Other names: c.2940_2954del, p.Asn981_Ile985del (NM_001281492.2); c.2424_2438del, p.Asn809_Ile813del (NM_001281493.2, NM_001281494.2); c.3426_3440delTAATGACATTCTAAT, p.Asn1143_Ile1147del (NM_001406795.1, NM_001406802.1); c.3330_3344delTAATGACATTCTAAT, p.Asn1111_Ile1115del (NM_001406796.1, NM_001406800.1, NM_001406808.1 and 1 more transcripts); c.3033_3047delTAATGACATTCTAAT, p.Asn1012_Ile1016del (NM_001406797.1, NM_001406801.1, NM_001406805.1 and 10 more transcripts); c.2805_2819delTAATGACATTCTAAT, p.Asn936_Ile940del (NM_001406799.1, NM_001406806.1, NM_001406807.1); c.2466_2480delTAATGACATTCTAAT, p.Asn823_Ile827del (NM_001406803.1); c.3252_3266delTAATGACATTCTAAT, p.Asn1085_Ile1089del (NM_001406804.1); and 8 more.
Identifiers: ClinVar variation 1730311 (VCV001730311.2), dbSNP rs2530768979, ClinGen allele CA2580067063.